The following is an entry in ClinVar:

NM_001256627.2(BRSK2):c.91+21072C>T

Gene: BRSK2 (BR serine/threonine kinase 2; plus strand). Cytogenetic location: 11p15.5.
Variant type: single nucleotide variant.
Coding change: c.91+21072C>T on transcript NM_001256627.2 (MANE Select); 21072 bases into the intron after coding-DNA position 91, C replaced by T.
Molecular consequence: intron variant. On other transcripts: missense variant (2).
Genome position (GRCh38, 1-based): chr11:1,411,447, C>T. VCF-style: chr11-1411447-C-T. GRCh37 (hg19) VCF-style: chr11-1432677-C-T.
Other names: c.43C>T, p.Arg15Trp (NM_001256630.1, NM_001440667.1); c.91+21072C>T (NM_001440665.1, NM_001440668.1, NM_001440670.1 and 3 more transcripts); c.-90+1816C>T (NM_001440674.1); c.-90+1588C>T (NM_001440671.1, NM_001440672.1, NM_001440669.1 and 2 more transcripts); c.-90+541C>T (NM_001282218.2, NM_001440675.1); short protein forms R15W.
Identifiers: ClinVar variation 4538865 (VCV004538865.1).

ClinVar aggregate classification (germline): Uncertain significance (1 of 4 stars; one submission).

gnomAD v4.1: 104 of 1,468,864 alleles (0.0071%); highest among the groups gnomAD compares: African/African-American, 0.058%; no homozygotes.

Submission:

GeneDx
Classification: Uncertain significance. Last evaluated: 2025-06-17. Review status: criteria provided, single submitter. Criteria: GeneDx Variant Classification Process June 2021. Collection method: clinical testing. Allele origin: germline. Affected: yes.
Comment: In silico analysis suggests that this variant does not alter splicing; Has not been previously published as pathogenic or benign to our knowledge; Reported using an alternate transcript of the gene